The following is an entry in ClinVar:

ClinVar aggregate classification (germline): Uncertain significance. Review status: criteria provided, multiple submitters, no conflicts (2 of 4 stars). 2 submissions from 2 submitters: Uncertain significance (2). Last evaluated 2025-11-24.

Allele frequency attached by ClinVar (database versions not stated): gnomAD exomes 0.00002 and 0.00004; ExAC 0.00003; TOPMed 0.00012; gnomAD 0.00015 and 0.00017; ESP Exome Variant Server 0.00023.
gnomAD v4.1: 49 of 1,613,176 alleles (0.003%); highest among the groups gnomAD compares: African/African-American, 0.044%; no homozygotes.

Submissions (2):

Labcorp Genetics (formerly Invitae), Labcorp
Classification: Uncertain significance. Last evaluated: 2025-11-24. Review status: criteria provided, single submitter. Criteria: Invitae Variant Classification Sherloc (09022015). Collection method: clinical testing. Allele origin: germline.
Comment: This sequence change replaces arginine, which is basic and polar, with cysteine, which is neutral and slightly polar, at codon 251 of the ADGRA3 protein (p.Arg251Cys). This variant is present in population databases (rs145174089, gnomAD 0.05%). This variant has not been reported in the literature in individuals affected with ADGRA3-related conditions. ClinVar contains an entry for this variant (Variation ID: 1373210). An algorithm developed to predict the effect of missense changes on protein structure and function (PolyPhen-2) suggests that this variant is likely to be disruptive. In summary, the available evidence is currently insufficient to determine the role of this variant in disease. Therefore, it has been classified as a Variant of Uncertain Significance.

Ambry Genetics
Classification: Uncertain significance. Last evaluated: 2021-09-01. Review status: criteria provided, single submitter. Criteria: Ambry Variant Classification Scheme 2023. Collection method: clinical testing. Allele origin: germline.

NM_145290.4(ADGRA3):c.751C>T (p.Arg251Cys)

Gene: ADGRA3 (adhesion G protein-coupled receptor A3; minus strand). Cytogenetic location: 4p15.2.
Variant type: single nucleotide variant.
Coding change: c.751C>T on transcript NM_145290.4 (MANE Select); coding-DNA position 751, C replaced by T.
Protein change: p.Arg251Cys; replaces arginine 251 with cysteine.
Molecular consequence: missense variant.
Genome position (GRCh38, 1-based): chr4:22,442,819, G>A on the plus strand (C>T on the coding strand, the complement: ADGRA3 is on the minus strand). VCF-style: chr4-22442819-G-A. GRCh37 (hg19) VCF-style: chr4-22444442-G-A.
Other names: c.751C>T (NM_145290.2); short protein forms R251C.
Identifiers: ClinVar variation 1373210 (VCV001373210.9), dbSNP rs145174089, ClinGen allele CA2874137.
Genomic context (GRCh38, chr4:22,442,819, plus strand): 5'-GATCAATATATGAAGCCATGCACTGGAAAGGAAGGCTGTCTCCTTCAAACACAACTTGGC[G>A]ATGAGATGGAGTCATGTAGAAAGACGGCAATTCAAGCGGAGGGTCTAGAGACAATCAAAC-3'
Protein context (NP_660333.2, residues 241-261): LPSFYMTPSH[Arg251Cys]QVVFEGDSLP